The following is an entry in ClinVar:

ClinVar aggregate classification (germline): Pathogenic (1 of 4 stars; one submission).

Conditions:
Hereditary spastic paraplegia 4. Also called: Familial spastic paraplegia autosomal dominant 2; Spastic paraplegia 4, autosomal dominant; Spastic Paraplegia 4. Identifiers: Orphanet 100985, MedGen C1866855, MONDO:0008438, OMIM 182601.

Submission:

Labcorp Genetics (formerly Invitae), Labcorp
Classification: Pathogenic for Hereditary spastic paraplegia 4. Last evaluated: 2025-09-02. Review status: criteria provided, single submitter. Criteria: Invitae Variant Classification Sherloc (09022015). Collection method: clinical testing. Allele origin: germline.
Comment: This sequence change creates a premature translational stop signal (p.Ser547Argfs*3) in the SPAST gene. It is expected to result in an absent or disrupted protein product. Loss-of-function variants in SPAST are known to be pathogenic (PMID: 20932283). This variant is not present in population databases (gnomAD no frequency). This variant has not been reported in the literature in individuals affected with SPAST-related conditions. For these reasons, this variant has been classified as Pathogenic.

Literature cited by the submitters: PubMed 20932283.

NM_014946.4(SPAST):c.1641del (p.Ser547fs)

Gene: SPAST (spastin; plus strand). Cytogenetic location: 2p22.3.
Variant type: Deletion.
Coding change: c.1641del on transcript NM_014946.4 (MANE Select); coding-DNA position 1641, one base deleted (T; older notation c.1641delT).
Protein change: p.Ser547fs; shifts the reading frame from serine 547.
Molecular consequence: frameshift variant. On other transcripts: intron variant (1).
Genome position (GRCh38, 1-based): chr2:32,144,961, T deleted. VCF-style (leftmost placement, unchanged base first): chr2-32144960-GT-G. GRCh37 (hg19) VCF-style: chr2-32370029-GT-G.
Other names: c.1638del, p.Ser546fs (NM_001363823.2); c.1542del, p.Ser514fs (NM_001363875.2); c.1545del, p.Ser515fs (NM_199436.2); c.1520+1546del (NM_001377959.1); short protein forms S514fs, S515fs, S546fs, S547fs.
Identifiers: ClinVar variation 4719630 (VCV004719630.1).